The following is an entry in ClinVar:

NM_021615.5(CHST6):c.*955C>T

Gene: CHST6 (carbohydrate sulfotransferase 6; minus strand). Cytogenetic location: 16q23.1.
Variant type: single nucleotide variant.
Coding change: c.*955C>T on transcript NM_021615.5 (MANE Select); 955 bases downstream of the stop codon, C replaced by T.
Molecular consequence: 3 prime UTR variant.
Genome position (GRCh38, 1-based): chr16:75,477,686, G>A on the plus strand (C>T on the coding strand, the complement: CHST6 is on the minus strand). VCF-style: chr16-75477686-G-A. GRCh37 (hg19) VCF-style: chr16-75511584-G-A.
Identifiers: ClinVar variation 320585 (VCV000320585.5), dbSNP rs116535181, ClinGen allele CA10648983.
Genomic context (GRCh38, chr16:75,477,686, plus strand): 5'-CTAAACCCTCTACACATCCAGCATTCCTTTACTAAGCCCCTTTGCCCCCAGAGCTAGGAG[G>A]TGTGGCTCACAGGCAGGGATCATCCTCTGCTTTCCTCCAAGGCCTGGACCAGAAGGACCA-3'

ClinVar aggregate classification (germline): Benign (1 of 4 stars; one submission).

Conditions:
Macular corneal dystrophy (MCD). Also called: GROENOUW TYPE II CORNEAL DYSTROPHY; Macular corneal dystrophy Type I. Identifiers: Orphanet 98969, MedGen C1636149, MONDO:0009020, OMIM 217800.

Allele frequency attached by ClinVar (database versions not stated): gnomAD exomes 0.00617; gnomAD 0.03303 and 0.03535; TOPMed 0.03768; 1000 Genomes Project 0.03934; 1000 Genomes Project 30x 0.04294.
gnomAD v4.1: 4,990 of 152,616 alleles (3.3%); highest among the groups gnomAD compares: African/African-American, 11%; 272 homozygotes.

Submission:

Illumina Laboratory Services, Illumina
Classification: Benign for Macular corneal dystrophy. Last evaluated: 2018-01-13. Review status: criteria provided, single submitter. Criteria: ICSL Variant Classification Criteria 13 December 2019. Collection method: clinical testing. Allele origin: germline.
Comment: This variant was observed in the ICSL laboratory as part of a predisposition screen in an ostensibly healthy population. It had not been previously curated by ICSL or reported in the Human Gene Mutation Database (HGMD: prior to June 1st, 2018), and was therefore a candidate for classification through an automated scoring system. Utilizing variant allele frequency, disease prevalence and penetrance estimates, and inheritance mode, an automated score was calculated to assess if this variant is too frequent to cause the disease. Based on the score and internal cut-off values, a variant classified as benign is not then subjected to further curation. The score for this variant resulted in a classification of benign for this disease.